The following is an entry in ClinVar:

ClinVar aggregate classification (germline): Benign/Likely benign. Review status: criteria provided, multiple submitters, no conflicts (2 of 4 stars). 5 submissions from 5 submitters: Benign (1); Likely benign (3). 1 of the submissions does not count toward it. Last evaluated 2025-11-13.

Conditions:
Connective tissue disorder. Also called: Connective tissue disease. Identifiers: MedGen C0009782, MONDO:0003900.
Jeune thoracic dystrophy. Also called: Jeune syndrome; Infantile thoracic dystrophy; Thoracic pelvic phalangeal dystrophy; Jeune's syndrome; Chondroectodermal dysplasia-like syndrome; Short-rib thoracic dysplasia. Identifiers: Orphanet 474, MedGen C0265275, MONDO:0018770.
IFT80-related disorder. Also called: IFT80-related condition.
Asphyxiating thoracic dystrophy 2 (SRTD2). Also called: SHORT-RIB THORACIC DYSPLASIA 2 WITHOUT POLYDACTYLY; SHORT-RIB THORACIC DYSPLASIA 2 WITH OR WITHOUT POLYDACTYLY; SHORT-RIB THORACIC DYSPLASIA 2 WITH POLYDACTYLY. Identifiers: Orphanet 474, MedGen C1970005, MONDO:0012644, OMIM 611263.

Allele frequency attached by ClinVar (database versions not stated): gnomAD below 0.00001 and 0.00026; TOPMed 0.00007; gnomAD exomes 0.00038 and 0.00081; ExAC 0.00106; 1000 Genomes Project 30x 0.00219; 1000 Genomes Project 0.00260.
gnomAD v4.1: 595 of 1,603,610 alleles (0.037%); highest among the groups gnomAD compares: South Asian, 0.62%; 5 homozygotes.

Submissions (5):

Labcorp Genetics (formerly Invitae), Labcorp
Classification: Benign for Jeune thoracic dystrophy. Last evaluated: 2025-11-13. Review status: criteria provided, single submitter. Criteria: Invitae Variant Classification Sherloc (09022015). Collection method: clinical testing. Allele origin: germline.

Blueprint Genetics
Classification: Likely benign. Last evaluated: 2024-09-13. Review status: criteria provided, single submitter. Criteria: ACMG Guidelines, 2015. Collection method: clinical testing. Allele origin: germline.

Genome Diagnostics Laboratory, The Hospital for Sick Children
Classification: Likely benign for Connective tissue disorder. Last evaluated: 2019-04-01. Review status: criteria provided, single submitter. Criteria: ACMG Guidelines, 2015. Collection method: clinical testing. Allele origin: germline.

Illumina Laboratory Services, Illumina
Classification: Likely benign for Asphyxiating thoracic dystrophy 2. Last evaluated: 2018-01-12. Review status: criteria provided, single submitter. Criteria: ICSL Variant Classification Criteria 13 December 2019. Collection method: clinical testing. Allele origin: germline.
Comment: This variant was observed in the ICSL laboratory as part of a predisposition screen in an ostensibly healthy population. It had not been previously curated by ICSL or reported in the Human Gene Mutation Database (HGMD: prior to June 1st, 2018), and was therefore a candidate for classification through an automated scoring system. Utilizing variant allele frequency, disease prevalence and penetrance estimates, and inheritance mode, an automated score was calculated to assess if this variant is too frequent to cause the disease. Based on the score and internal cut-off values, a variant classified as likely benign is not then subjected to further curation. The score for this variant resulted in a classification of likely benign for this disease.

PreventionGenetics, part of Exact Sciences
Classification: Likely benign for IFT80-related condition. Last evaluated: 2019-05-13. Review status: no assertion criteria provided. Collection method: clinical testing. Allele origin: germline. Not counted in ClinVar's aggregate classification.
Comment: This variant is classified as likely benign based on ACMG/AMP sequence variant interpretation guidelines (Richards et al. 2015 PMID: 25741868, with internal and published modifications).

NM_020800.3(IFT80):c.282G>A (p.Lys94=)

Genes: IFT80 (intraflagellar transport 80; minus strand), TRIM59-IFT80 (TRIM59-IFT80 readthrough (NMD candidate); minus strand). Cytogenetic location: 3q25.33.
Variant type: single nucleotide variant.
Coding change: c.282G>A on transcript NM_020800.3 (MANE Select); coding-DNA position 282, G replaced by A.
Protein change: p.Lys94=; no amino-acid change (lysine 94 retained).
Molecular consequence: synonymous variant. On other transcripts: non-coding transcript variant (2), 5 prime UTR variant (2).
Genome position (GRCh38, 1-based): chr3:160,377,518, C>T on the plus strand (G>A on the coding strand, the complement: IFT80 is on the minus strand). VCF-style: chr3-160377518-C-T. GRCh37 (hg19) VCF-style: chr3-160095306-C-T.
Other names: c.-130G>A (NM_001190241.2, NM_001190242.2).
Identifiers: ClinVar variation 343982 (VCV000343982.20), dbSNP rs548358266, ClinGen allele CA2685536.